The following is an entry in ClinVar:

NM_001384900.1(SEMA3D):c.594G>A (p.Glu198=)

Gene: SEMA3D (semaphorin 3D; minus strand). Cytogenetic location: 7q21.11.
Variant type: single nucleotide variant.
Coding change: c.594G>A on transcript NM_001384900.1 (MANE Select); coding-DNA position 594, G replaced by A.
Protein change: p.Glu198=; no amino-acid change (glutamic acid 198 retained).
Molecular consequence: synonymous variant.
Genome position (GRCh38, 1-based): chr7:85,065,548, C>T on the plus strand (G>A on the coding strand, the complement: SEMA3D is on the minus strand). VCF-style: chr7-85065548-C-T. GRCh37 (hg19) VCF-style: chr7-84694864-C-T.
Other names: c.594G>A, p.Glu198= (NM_001384901.1, NM_001384902.1, NM_001384903.1 and 1 more transcripts).
Identifiers: ClinVar variation 4988706 (VCV004988706.1).

ClinVar aggregate classification (germline): Likely benign (1 of 4 stars; one submission).

Conditions:
SEMA3D-related disorder. Also called: SEMA3D-related condition.

gnomAD v4.1: 21 of 1,612,484 alleles (0.0013%); highest among the groups gnomAD compares: Non-Finnish European, 0.0018%; no homozygotes.

Submission:

PreventionGenetics, part of Exact Sciences
Classification: Likely benign for SEMA3D-related condition. Last evaluated: 2024-10-17. Review status: criteria provided, single submitter. Criteria: ACMG Guidelines, 2015. Collection method: clinical testing. Allele origin: germline.
Comment: This variant is classified as likely benign based on ACMG/AMP sequence variant interpretation guidelines (Richards et al. 2015 PMID: 25741868, with internal and published modifications).